The following is an entry in ClinVar:

ClinVar aggregate classification (germline): Pathogenic (1 of 4 stars; one submission).

Submission:

Labcorp Genetics (formerly Invitae), Labcorp
Classification: Pathogenic. Last evaluated: 2024-01-04. Review status: criteria provided, single submitter. Criteria: Invitae Variant Classification Sherloc (09022015). Collection method: clinical testing. Allele origin: germline.
Comment: This sequence change creates a premature translational stop signal (p.Trp1449Argfs*107) in the ABCA4 gene. It is expected to result in an absent or disrupted protein product. Loss-of-function variants in ABCA4 are known to be pathogenic (PMID: 10958761, 24938718, 25312043, 26780318). This variant is not present in population databases (gnomAD no frequency). This variant has not been reported in the literature in individuals affected with ABCA4-related conditions. For these reasons, this variant has been classified as Pathogenic.

Literature cited by the submitters: PubMed 10958761; PubMed 24938718; PubMed 25312043; PubMed 26780318.

NM_000350.3(ABCA4):c.4340_4343dup (p.Trp1449fs)

Gene: ABCA4 (ATP binding cassette subfamily A member 4; minus strand). Cytogenetic location: 1p22.1.
Variant type: Microsatellite.
Coding change: c.4340_4343dup on transcript NM_000350.3 (MANE Select); coding-DNA positions 4340 to 4343, 4 bases duplicated (AAGG; older notation c.4340_4343dupAAGG).
Protein change: p.Trp1449fs; shifts the reading frame from tryptophan 1449.
Molecular consequence: frameshift variant.
Genome position (GRCh38, 1-based): chr1:94,030,437-94,030,440, CCTT duplicated on the plus strand (AAGG on the coding strand, the reverse complement: ABCA4 is on the minus strand); duplicating any 4 consecutive bases within chr1:94,030,437-94,030,445 gives the same sequence; the c. name uses the placement nearest the transcript's 3' end. VCF-style (leftmost placement, unchanged base first): chr1-94030436-C-CCCTT. GRCh37 (hg19) VCF-style: chr1-94495992-C-CCCTT.
Other names: c.4113_4116GAAG[3], p.Trp1375Argfs (NM_001425324.1); short protein forms W1449fs.
Identifiers: ClinVar variation 2707588 (VCV002707588.3), dbSNP rs1660166963, ClinGen allele CA2697552522.
Genomic context (GRCh38, chr1:94,030,436, plus strand): 5'-GGTCCTCCCAGGGGAGCTAGTCTTCTTAGGACAGGGGCGCGTAGGCACTTACGGAAGCCA[C>CCCTT]CCTTCCTTCAGGCAGCGGTTGCCAAAGCCTGGCTTATTCAGGAGGACGTCTGCAAGTACC-3'